The following is an entry in ClinVar:

ClinVar aggregate classification (germline): Likely benign. Review status: criteria provided, single submitter (1 of 4 stars). 2 submissions from 2 submitters: Likely benign (1). 1 of the submissions does not count toward it. Last evaluated 2025-07-14.

Conditions:
RELA-related disorder. Also called: RELA-related condition.

Allele frequency attached by ClinVar (database versions not stated): gnomAD 0.00001; gnomAD exomes 0.00001 and 0.00002; ExAC 0.00003.

Submissions (2):

Labcorp Genetics (formerly Invitae), Labcorp
Classification: Likely benign. Last evaluated: 2025-07-14. Review status: criteria provided, single submitter. Criteria: Invitae Variant Classification Sherloc (09022015). Collection method: clinical testing. Allele origin: germline.

PreventionGenetics, part of Exact Sciences
Classification: Likely benign for RELA-related condition. Last evaluated: 2021-06-22. Review status: no assertion criteria provided. Collection method: clinical testing. Allele origin: germline. Not counted in ClinVar's aggregate classification.
Comment: This variant is classified as likely benign based on ACMG/AMP sequence variant interpretation guidelines (Richards et al. 2015 PMID: 25741868, with internal and published modifications).

NM_021975.4(RELA):c.1327C>T (p.Leu443=)

Gene: RELA (RELA proto-oncogene, NF-kB subunit; minus strand). Cytogenetic location: 11q13.1.
Variant type: single nucleotide variant.
Coding change: c.1327C>T on transcript NM_021975.4 (MANE Select); coding-DNA position 1327, C replaced by T.
Protein change: p.Leu443=; no amino-acid change (leucine 443 retained).
Molecular consequence: synonymous variant. On other transcripts: intron variant (1).
Genome position (GRCh38, 1-based): chr11:65,654,707, G>A on the plus strand (C>T on the coding strand, the complement: RELA is on the minus strand). VCF-style: chr11-65654707-G-A. GRCh37 (hg19) VCF-style: chr11-65422178-G-A.
Other names: c.1318C>T, p.Leu440= (NM_001145138.2); c.1120C>T, p.Leu374= (NM_001243984.2); c.1215+112C>T (NM_001243985.2); c.1327C>T (NM_021975.3).
Identifiers: ClinVar variation 1651420 (VCV001651420.10), dbSNP rs779816958, ClinGen allele CA6106616.